The following is an entry in ClinVar:

NM_001458.5(FLNC):c.6994C>T (p.Pro2332Ser)

Genes: FLNC (filamin C; plus strand), FLNC-AS1 (FLNC antisense RNA 1; minus strand). Cytogenetic location: 7q32.1.
Variant type: single nucleotide variant.
Coding change: c.6994C>T on transcript NM_001458.5 (MANE Select); coding-DNA position 6994, C replaced by T.
Protein change: p.Pro2332Ser; replaces proline 2332 with serine.
Molecular consequence: missense variant.
Genome position (GRCh38, 1-based): chr7:128,854,679, C>T. VCF-style: chr7-128854679-C-T. GRCh37 (hg19) VCF-style: chr7-128494733-C-T.
Other names: c.6895C>T, p.Pro2299Ser (NM_001127487.2); short protein forms P2299S, P2332S.
Identifiers: ClinVar variation 3850784 (VCV003850784.1).

ClinVar aggregate classification (germline): Uncertain significance (1 of 4 stars; one submission).

Conditions:
Cardiovascular phenotype. Identifiers: MedGen CN230736.

Submission:

Ambry Genetics
Classification: Uncertain significance for Cardiovascular phenotype. Last evaluated: 2025-02-01. Review status: criteria provided, single submitter. Criteria: Ambry Variant Classification Scheme 2023. Collection method: clinical testing. Allele origin: germline.
Comment: The p.P2332S variant (also known as c.6994C>T), located in coding exon 41 of the FLNC gene, results from a C to T substitution at nucleotide position 6994. The proline at codon 2332 is replaced by serine, an amino acid with similar properties. This amino acid position is conserved. In addition, this alteration is predicted to be deleterious by in silico analysis. Based on the available evidence, the clinical significance of this variant remains unclear.